The following is an entry in ClinVar:

NM_198253.3(TERT):c.859G>T (p.Gly287Cys)

Gene: TERT (telomerase reverse transcriptase; minus strand). Cytogenetic location: 5p15.33.
Variant type: single nucleotide variant.
Coding change: c.859G>T on transcript NM_198253.3 (MANE Select); coding-DNA position 859, G replaced by T.
Protein change: p.Gly287Cys; replaces glycine 287 with cysteine.
Molecular consequence: missense variant. On other transcripts: non-coding transcript variant (2).
Genome position (GRCh38, 1-based): chr5:1,294,027, C>A on the plus strand (G>T on the coding strand, the complement: TERT is on the minus strand). VCF-style: chr5-1294027-C-A. GRCh37 (hg19) VCF-style: chr5-1294142-C-A.
Other names: c.859G>T, p.Gly287Cys (NM_001193376.3, NM_003219.1); short protein forms G287C.
Identifiers: ClinVar variation 1763985 (VCV001763985.2), dbSNP rs746095609, ClinGen allele CA359056440.
Genomic context (GRCh38, chr5:1,294,027, plus strand): 5'-GGCCCGCGTGGTGCTGGCGGCCCACGGATGGGTGGGAGTGGCGCGTGCCAGAGAGCGCAC[C>A]CTCCAAAGAGGTGGCTTCTTCGGCGGGTCTGGCAGGTGACACCACACAGAAACCACGGTC-3'
Protein context (NP_937983.2, residues 277-297): RPAEEATSLE[Gly287Cys]ALSGTRHSHP

ClinVar aggregate classification (germline): Uncertain significance (1 of 4 stars; one submission).

Conditions:
Dyskeratosis congenita. Identifiers: Orphanet 1775, MedGen C0265965, MONDO:0015780.

Submission:

Ambry Genetics
Classification: Uncertain significance for Dyskeratosis congenita. Last evaluated: 2022-08-16. Review status: criteria provided, single submitter. Criteria: Ambry Variant Classification Scheme 2023. Collection method: clinical testing. Allele origin: germline.
Comment: The p.G287C variant (also known as c.859G>T), located in coding exon 2 of the TERT gene, results from a G to T substitution at nucleotide position 859. The glycine at codon 287 is replaced by cysteine, an amino acid with highly dissimilar properties. This amino acid position is conserved. In addition, this alteration is predicted to be deleterious by in silico analysis. Since supporting evidence is limited at this time, the clinical significance of this alteration remains unclear.